The following is an entry in ClinVar:

ClinVar aggregate classification (germline): Pathogenic (1 of 4 stars; one submission).

Conditions:
Autosomal recessive polycystic kidney disease (ARPKD). Also called: AR polycystic kidney disease. Identifiers: Orphanet 731, Orphanet 8378, MedGen C0085548, MeSH D017044, MONDO:0009889.

Submission:

Labcorp Genetics (formerly Invitae), Labcorp
Classification: Pathogenic for Autosomal recessive polycystic kidney disease. Last evaluated: 2019-10-25. Review status: criteria provided, single submitter. Criteria: Invitae Variant Classification Sherloc (09022015). Collection method: clinical testing. Allele origin: germline.
Comment: For these reasons, this variant has been classified as Pathogenic. Loss-of-function variants in PKHD1 are known to be pathogenic (PMID: 19940839). This variant has not been reported in the literature in individuals with PKHD1-related conditions. This variant is not present in population databases (ExAC no frequency). This sequence change creates a premature translational stop signal (p.Asn2818Ilefs*3) in the PKHD1 gene. It is expected to result in an absent or disrupted protein product.

Literature cited by the submitters: PubMed 19940839.

NM_138694.4(PKHD1):c.8453del (p.Asn2818fs)

Gene: PKHD1 (PKHD1 ciliary IPT domain containing fibrocystin/polyductin; minus strand). Cytogenetic location: 6p12.3.
Variant type: Deletion.
Coding change: c.8453del on transcript NM_138694.4 (MANE Select); coding-DNA position 8453, one base deleted (A; older notation c.8453delA).
Protein change: p.Asn2818fs; shifts the reading frame from asparagine 2818.
Molecular consequence: frameshift variant.
Genome position (GRCh38, 1-based): chr6:51,775,909, T deleted on the plus strand (A on the coding strand, the reverse complement: PKHD1 is on the minus strand); the first of 4 consecutive T bases (chr6:51,775,909-51,775,912); deleting any one gives the same sequence. VCF-style (leftmost placement, unchanged base first): chr6-51775908-AT-A. GRCh37 (hg19) VCF-style: chr6-51640706-AT-A.
Other names: c.8453del, p.Asn2818fs (NM_170724.3); short protein forms N2818fs.
Identifiers: ClinVar variation 970689 (VCV000970689.8), dbSNP rs1790945437, ClinGen allele CA1139659589.